The following is an entry in ClinVar:

ClinVar aggregate classification (germline): Uncertain significance (1 of 4 stars; one submission).

Allele frequency attached by ClinVar (database versions not stated): gnomAD exomes 0.00002; ExAC 0.00004; ESP Exome Variant Server 0.00015.
gnomAD v4.1: 41 of 1,614,008 alleles (0.0025%); highest among the groups gnomAD compares: Middle Eastern, 0.033%; no homozygotes.

Submission:

CeGaT Center for Human Genetics Tuebingen
Classification: Uncertain significance. Last evaluated: 2022-08-01. Review status: criteria provided, single submitter. Criteria: CeGaT Center For Human Genetics Tuebingen Variant Classification Criteria Version 2. Collection method: clinical testing. Allele origin: germline. Affected: yes. Observed: 1 variant allele.
Comment: EXOC2: PM2, BP4, BP7

NM_018303.6(EXOC2):c.1632C>T (p.Ser544=)

Genes: EXOC2 (exocyst complex component 2; minus strand), LOC126859547 (CDK7 strongly-dependent group 2 enhancer GRCh37_chr6:563721-564920; plus strand). Cytogenetic location: 6p25.3.
Variant type: single nucleotide variant.
Coding change: c.1632C>T on transcript NM_018303.6 (MANE Select); coding-DNA position 1632, C replaced by T.
Protein change: p.Ser544=; no amino-acid change (serine 544 retained).
Molecular consequence: synonymous variant. On other transcripts: non-coding transcript variant (1).
Genome position (GRCh38, 1-based): chr6:564,580, G>A on the plus strand (C>T on the coding strand, the complement: EXOC2 is on the minus strand). VCF-style: chr6-564580-G-A. GRCh37 (hg19) VCF-style: chr6-564580-G-A.
Identifiers: ClinVar variation 2656166 (VCV002656166.24), dbSNP rs150738226, ClinGen allele CA3613495.